The following is an entry in ClinVar:

ClinVar aggregate classification (germline): Uncertain significance (1 of 4 stars; one submission).

Submission:

Ambry Genetics
Classification: Uncertain significance. Last evaluated: 2025-07-12. Review status: criteria provided, single submitter. Criteria: Ambry Variant Classification Scheme 2023. Collection method: clinical testing. Allele origin: germline.
Comment: The p.I532T variant (also known as c.1595T>C), located in coding exon 2 of the CDK12 gene, results from a T to C substitution at nucleotide position 1595. The isoleucine at codon 532 is replaced by threonine, an amino acid with similar properties. This amino acid position is conserved. In addition, this alteration is predicted to be tolerated by in silico analysis. Based on the available evidence, the clinical significance of this variant remains unclear.

NM_016507.4(CDK12):c.1595T>C (p.Ile532Thr)

Gene: CDK12 (cyclin dependent kinase 12; plus strand). Cytogenetic location: 17q12.
Variant type: single nucleotide variant.
Coding change: c.1595T>C on transcript NM_016507.4 (MANE Select); coding-DNA position 1595, T replaced by C.
Protein change: p.Ile532Thr; replaces isoleucine 532 with threonine.
Molecular consequence: missense variant.
Genome position (GRCh38, 1-based): chr17:39,471,427, T>C. VCF-style: chr17-39471427-T-C. GRCh37 (hg19) VCF-style: chr17-37627680-T-C.
Other names: c.1595T>C, p.Ile532Thr (NM_015083.4); short protein forms I532T.
Identifiers: ClinVar variation 4224285 (VCV004224285.1).